The following is an entry in ClinVar:

ClinVar aggregate classification (germline): Uncertain significance (1 of 4 stars; one submission).

Conditions:
Dyskeratosis congenita, autosomal dominant 1 (DKCA1). Also called: Dyskeratosis congenita Scoggins type. Identifiers: Orphanet 1775, MedGen C4551974, MONDO:0007485, OMIM 127550. Inheritance: Variable.

Submission:

Labcorp Genetics (formerly Invitae), Labcorp
Classification: Uncertain significance for Dyskeratosis congenita, autosomal dominant 1. Last evaluated: 2021-07-14. Review status: criteria provided, single submitter. Criteria: Invitae Variant Classification Sherloc (09022015). Collection method: clinical testing. Allele origin: germline.
Comment: This variant is located within the hypervariable region that is not conserved in the TERC RNA component (PMID: 10721988, 21844345). The functional significance of this region is not well understood. This variant has not been reported in the literature in individuals affected with TERC-related conditions. In summary, the available evidence is currently insufficient to determine the role of this variant in disease. Therefore, it has been classified as a Variant of Uncertain Significance. This variant occurs in the TERC gene, which encodes an RNA molecule that does not result in a protein product. The frequency data for this variant in the population databases is considered unreliable, as metrics indicate poor data quality at this position in the ExAC database.

Literature cited by the submitters: PubMed 10721988; PubMed 21844345.

NR_001566.3(TERC):n.198dup

Genes: TERC (telomerase RNA component; minus strand), LOC110806306 (telomerase RNA component (TERC) promoter; plus strand). Cytogenetic location: 3q26.2.
Variant type: Duplication.
Genome position: GRCh38 VCF-style: chr3-169764859-A-AG. GRCh37 (hg19) VCF-style: chr3-169482647-A-AG.
Identifiers: ClinVar variation 1365229 (VCV001365229.6), dbSNP rs769251104, ClinGen allele CA2696808.